The following is an entry in ClinVar:

ClinVar aggregate classification (germline): Uncertain significance. Review status: criteria provided, multiple submitters, no conflicts (2 of 4 stars). 3 submissions from 3 submitters: Uncertain significance (3). Last evaluated 2025-09-04.

Conditions:
Hypokalemic periodic paralysis, type 1. Also called: HypoPP; Hypokalemic Periodic Paralysis Type 1 (AD). Identifiers: Orphanet 681, MedGen C3714580, MONDO:0042979, OMIM 170400.
Malignant hyperthermia, susceptibility to, 5 (MHS5). Also called: CACNA1S-Related Malignant Hyperthermia Susceptibility. Identifiers: Orphanet 423, MedGen C1866077, MONDO:0011163, OMIM 601887.

gnomAD v4.1: 1 of 1,614,190 alleles (0.000062%); highest among the groups gnomAD compares: Non-Finnish European, 0.000085%; no homozygotes.

Submissions (3):

Color Diagnostics, LLC DBA Color Health
Classification: Uncertain significance for Malignant hyperthermia, susceptibility to, 5. Last evaluated: 2025-09-04. Review status: criteria provided, single submitter. Criteria: ACMG Guidelines, 2015. Collection method: clinical testing. Allele origin: germline.
Comment: This missense variant replaces arginine with glycine at codon 1658 of the CACNA1S protein. Computational prediction suggests that this variant may not impact protein structure and function. To our knowledge, functional studies have not been reported for this variant. This variant has not been reported in individuals affected with CACNA1S-related disorders in the literature. This variant has been identified in 1/251464 chromosomes in the general population by the Genome Aggregation Database (gnomAD). The available evidence is insufficient to determine the role of this variant in disease conclusively. Therefore, this variant is classified as a Variant of Uncertain Significance.

All of Us Research Program, National Institutes of Health
Classification: Uncertain significance for Malignant hyperthermia, susceptibility to, 5. Last evaluated: 2024-05-09. Review status: criteria provided, single submitter. Criteria: ACMG Guidelines, 2015. Collection method: clinical testing. Allele origin: germline. Inheritance: Autosomal dominant inheritance. Observed: 3 variant alleles, 3 heterozygotes.
Comment: This study involves interpretation of variants in research participants for the purpose of population health screening. Participant phenotype was not available at the time of variant classification. Additional details can be found in publication PMID: 35346344, PMCID: PMC8962531

Labcorp Genetics (formerly Invitae), Labcorp
Classification: Uncertain significance for Hypokalemic periodic paralysis, type 1; Malignant hyperthermia, susceptibility to, 5. Last evaluated: 2020-12-27. Review status: criteria provided, single submitter. Criteria: Invitae Variant Classification Sherloc (09022015). Collection method: clinical testing. Allele origin: germline.
Comment: In summary, the available evidence is currently insufficient to determine the role of this variant in disease. Therefore, it has been classified as a Variant of Uncertain Significance. Advanced modeling of protein sequence and biophysical properties (such as structural, functional, and spatial information, amino acid conservation, physicochemical variation, residue mobility, and thermodynamic stability) performed at Invitae indicates that this missense variant is not expected to disrupt CACNA1S protein function. This variant has not been reported in the literature in individuals with CACNA1S-related conditions. This variant is not present in population databases (ExAC no frequency). This sequence change replaces arginine with glycine at codon 1658 of the CACNA1S protein (p.Arg1658Gly). The arginine residue is weakly conserved and there is a moderate physicochemical difference between arginine and glycine.

NM_000069.3(CACNA1S):c.4972C>G (p.Arg1658Gly)

Gene: CACNA1S (calcium voltage-gated channel subunit alpha1 S; minus strand). Cytogenetic location: 1q32.1.
Variant type: single nucleotide variant.
Coding change: c.4972C>G on transcript NM_000069.3 (MANE Select); coding-DNA position 4972, C replaced by G.
Protein change: p.Arg1658Gly; replaces arginine 1658 with glycine.
Molecular consequence: missense variant.
Genome position (GRCh38, 1-based): chr1:201,043,357, G>C on the plus strand (C>G on the coding strand, the complement: CACNA1S is on the minus strand). VCF-style: chr1-201043357-G-C. GRCh37 (hg19) VCF-style: chr1-201012485-G-C.
Other names: short protein forms R1658G.
Identifiers: ClinVar variation 1026865 (VCV001026865.9), dbSNP rs147392278, ClinGen allele CA344136263.